The following is an entry in ClinVar:

NM_002972.4(SBF1):c.1057C>T (p.Pro353Ser)

Gene: SBF1 (SET binding factor 1; minus strand). Cytogenetic location: 22q13.33.
Variant type: single nucleotide variant.
Coding change: c.1057C>T on transcript NM_002972.4 (MANE Select); coding-DNA position 1057, C replaced by T.
Protein change: p.Pro353Ser; replaces proline 353 with serine.
Molecular consequence: missense variant.
Genome position (GRCh38, 1-based): chr22:50,465,795, G>A on the plus strand (C>T on the coding strand, the complement: SBF1 is on the minus strand). VCF-style: chr22-50465795-G-A. GRCh37 (hg19) VCF-style: chr22-50904224-G-A.
Other names: c.1060C>T, p.Pro354Ser (NM_001365819.1, NM_001410794.1); c.1057C>T, p.Pro353Ser (NM_001410795.1); short protein forms P353S, P354S.
Identifiers: ClinVar variation 4537150 (VCV004537150.1).

ClinVar aggregate classification (germline): Uncertain significance (1 of 4 stars; one submission).

gnomAD v4.1: 1 of 1,610,856 alleles (0.000062%); highest among the groups gnomAD compares: Non-Finnish European, 0.000085%; no homozygotes.

Submission:

Women's Health and Genetics/Laboratory Corporation of America, LabCorp
Classification: Uncertain significance. Last evaluated: 2025-11-03. Review status: criteria provided, single submitter. Criteria: LabCorp Variant Classification Summary - May 2015. Collection method: clinical testing. Allele origin: germline.
Comment: Variant summary: SBF1 c.1057C>T (p.Pro353Ser) results in a non-conservative amino acid change in the encoded protein sequence. Algorithms developed to predict the effect of missense changes on protein structure and function are either unavailable or do not agree on the potential impact of this missense change. The variant was absent in 242756 control chromosomes. The available data on variant occurrences in the general population are insufficient to allow any conclusion about variant significance. To our knowledge, no occurrence of c.1057C>T in individuals affected with SBF1-related conditions and no experimental evidence demonstrating its impact on protein function have been reported. No submitters have cited clinical-significance assessments for this variant to ClinVar. Based on the evidence outlined above, the variant was classified as uncertain significance.